The following is an entry in ClinVar:

NM_194255.4(SLC19A1):c.634T>C (p.Phe212Leu)

Gene: SLC19A1 (solute carrier family 19 member 1; minus strand). Cytogenetic location: 21q22.3.
Variant type: single nucleotide variant.
Coding change: c.634T>C on transcript NM_194255.4 (MANE Select); coding-DNA position 634, T replaced by C.
Protein change: p.Phe212Leu; replaces phenylalanine 212 with leucine.
Molecular consequence: missense variant.
Genome position (GRCh38, 1-based): chr21:45,531,704, A>G on the plus strand (T>C on the coding strand, the complement: SLC19A1 is on the minus strand). VCF-style: chr21-45531704-A-G. GRCh37 (hg19) VCF-style: chr21-46951618-A-G.
Other names: c.634T>C, p.Phe212Leu (NM_001205206.4, NM_001352511.3, NM_001352512.2); c.514T>C, p.Phe172Leu (NM_001205207.3); c.280T>C, p.Phe94Leu (NM_001352510.2); short protein forms F172L, F212L, F94L.
Identifiers: ClinVar variation 4771192 (VCV004771192.1).
Genomic context (GRCh38, chr21:45,531,704, plus strand): 5'-GATTCATGCGCTCCAGCTCCGAAGCCGAGGTTTCGCACCGCCCCCGGTCGTCGCGGTTGA[A>G]GAAGAGGCTGCGCTTGGGGCGCTTCAGGAAGAGGGCGAGGACCACGCTGAAGGTGAGGAA-3'
Protein context (NP_919231.1, residues 202-222): FLKRPKRSLF[Phe212Leu]NRDDRGRCET

ClinVar aggregate classification (germline): Uncertain significance (1 of 4 stars; one submission).

gnomAD v4.1: 2 of 1,612,514 alleles (0.00012%); highest among the groups gnomAD compares: South Asian, 0.0022%; no homozygotes.

Submission:

Labcorp Genetics (formerly Invitae), Labcorp
Classification: Uncertain significance. Last evaluated: 2025-12-21. Review status: criteria provided, single submitter. Criteria: Invitae Variant Classification Sherloc (09022015). Collection method: clinical testing. Allele origin: germline.
Comment: This sequence change replaces phenylalanine, which is neutral and non-polar, with leucine, which is neutral and non-polar, at codon 212 of the SLC19A1 protein (p.Phe212Leu). This variant is not present in population databases (gnomAD no frequency). This variant has not been reported in the literature in individuals affected with SLC19A1-related conditions. An algorithm developed to predict the effect of missense changes on protein structure and function (PolyPhen-2) suggests that this variant is likely to be disruptive. In summary, the available evidence is currently insufficient to determine the role of this variant in disease. Therefore, it has been classified as a Variant of Uncertain Significance.